The following is an entry in ClinVar:

NM_015884.4(MBTPS2):c.274T>C (p.Phe92Leu)

Gene: MBTPS2 (membrane bound transcription factor peptidase, site 2; plus strand). Cytogenetic location: Xp22.12.
Variant type: single nucleotide variant.
Coding change: c.274T>C on transcript NM_015884.4 (MANE Select); coding-DNA position 274, T replaced by C.
Protein change: p.Phe92Leu; replaces phenylalanine 92 with leucine.
Molecular consequence: missense variant.
Genome position (GRCh38, 1-based): chrX:21,845,220, T>C. VCF-style: chrX-21845220-T-C. GRCh37 (hg19) VCF-style: chrX-21863338-T-C.
Other names: short protein forms F92L.
Identifiers: ClinVar variation 1510358 (VCV001510358.8), dbSNP rs779941206, ClinGen allele CA327502253.
Genomic context (GRCh38, chrX:21,845,220, plus strand): 5'-CCTTTTGACAGGTTCAATTTTGGAATGGTGTTTGGCGTAATTGCCATGTTTAGCTCATTT[T>C]TTCTCCTTGGAAAAACGCTGATGCAGACTTTGGCACAAATGATGGCTGACTCTCCCTCTT-3'
Protein context (NP_056968.1, residues 82-102): FGVIAMFSSF[Phe92Leu]LLGKTLMQTL

ClinVar aggregate classification (germline): Uncertain significance (1 of 4 stars; one submission).

Allele frequency attached by ClinVar (database versions not stated): gnomAD 0.00001; gnomAD exomes 0.00001; TOPMed 0.00001.
gnomAD v4.1: 9 of 1,210,117 alleles (0.00074%); highest among the groups gnomAD compares: Admixed American, 0.0066%; no homozygotes.

Submission:

Labcorp Genetics (formerly Invitae), Labcorp
Classification: Uncertain significance. Last evaluated: 2021-08-09. Review status: criteria provided, single submitter. Criteria: Invitae Variant Classification Sherloc (09022015). Collection method: clinical testing. Allele origin: germline.
Comment: This sequence change replaces phenylalanine with leucine at codon 92 of the MBTPS2 protein (p.Phe92Leu). The phenylalanine residue is moderately conserved and there is a small physicochemical difference between phenylalanine and leucine. This variant is not present in population databases (ExAC no frequency). This variant has not been reported in the literature in individuals with MBTPS2-related conditions. Algorithms developed to predict the effect of missense changes on protein structure and function output the following: SIFT: "Tolerated"; PolyPhen-2: "Benign"; Align-GVGD: "Class C0". The leucine amino acid residue is found in multiple mammalian species, suggesting that this missense change does not adversely affect protein function. These predictions have not been confirmed by published functional studies and their clinical significance is uncertain. In summary, the available evidence is currently insufficient to determine the role of this variant in disease. Therefore, it has been classified as a Variant of Uncertain Significance.